The following is an entry in ClinVar:

ClinVar aggregate classification (germline): Uncertain significance (1 of 4 stars; one submission).

Submission:

Labcorp Genetics (formerly Invitae), Labcorp
Classification: Uncertain significance. Last evaluated: 2023-02-14. Review status: criteria provided, single submitter. Criteria: Invitae Variant Classification Sherloc (09022015). Collection method: clinical testing. Allele origin: germline.
Comment: This sequence change replaces isoleucine, which is neutral and non-polar, with lysine, which is basic and polar, at codon 760 of the LEMD3 protein (p.Ile760Lys). This variant is not present in population databases (gnomAD no frequency). This variant has not been reported in the literature in individuals affected with LEMD3-related conditions. Advanced modeling of protein sequence and biophysical properties (such as structural, functional, and spatial information, amino acid conservation, physicochemical variation, residue mobility, and thermodynamic stability) performed at Invitae indicates that this missense variant is not expected to disrupt LEMD3 protein function. In summary, the available evidence is currently insufficient to determine the role of this variant in disease. Therefore, it has been classified as a Variant of Uncertain Significance.

NM_014319.5(LEMD3):c.2279T>A (p.Ile760Lys)

Gene: LEMD3 (LEM domain containing 3; plus strand). Cytogenetic location: 12q14.3.
Variant type: single nucleotide variant.
Coding change: c.2279T>A on transcript NM_014319.5 (MANE Select); coding-DNA position 2279, T replaced by A.
Protein change: p.Ile760Lys; replaces isoleucine 760 with lysine.
Molecular consequence: missense variant.
Genome position (GRCh38, 1-based): chr12:65,241,061, T>A. VCF-style: chr12-65241061-T-A. GRCh37 (hg19) VCF-style: chr12-65634841-T-A.
Other names: c.2276T>A, p.Ile759Lys (NM_001167614.2); short protein forms I760K, I759K.
Identifiers: ClinVar variation 1929907 (VCV001929907.5), dbSNP rs546005703, ClinGen allele CA385673202.